The following is an entry in ClinVar:

ClinVar aggregate classification (germline): Uncertain significance (1 of 4 stars; one submission).

gnomAD v4.1: 6 of 1,613,804 alleles (0.00037%); highest among the groups gnomAD compares: South Asian, 0.0055%; no homozygotes.

Submission:

Ambry Genetics
Classification: Uncertain significance. Last evaluated: 2026-05-15. Review status: criteria provided, single submitter. Criteria: Ambry Variant Classification Scheme 2023. Collection method: clinical testing. Allele origin: germline.
Comment: The p.Q13* variant (also known as c.37C>T), located in coding exon 1 of the RAD51B gene, results from a C to T substitution at nucleotide position 37. This changes the amino acid from a glutamine to a stop codon within coding exon 1. This variant is expected to result in protein truncation or nonsense-mediated mRNA decay. However, loss of function has not been established as a mechanism of disease. Based on the available evidence, the clinical significance of this variant remains unclear.

NM_133510.4(RAD51B):c.37C>T (p.Gln13Ter)

Gene: RAD51B (RAD51 paralog B; plus strand). Cytogenetic location: 14q24.1.
Variant type: single nucleotide variant.
Coding change: c.37C>T on transcript NM_133510.4 (MANE Select); coding-DNA position 37, C replaced by T.
Protein change: p.Gln13Ter; replaces glutamine 13 with a stop codon.
Molecular consequence: nonsense. On other transcripts: 5 prime UTR variant (1).
Genome position (GRCh38, 1-based): chr14:67,823,580, C>T. VCF-style: chr14-67823580-C-T. GRCh37 (hg19) VCF-style: chr14-68290297-C-T.
Other names: c.37C>T, p.Gln13Ter (NM_001321809.2, NM_001321810.2, NM_001321812.1 and 6 more transcripts); c.-419C>T (NM_001321817.2); short protein forms Q13*.
Identifiers: ClinVar variation 4862906 (VCV004862906.1).